The following is an entry in ClinVar:

ClinVar aggregate classification (germline): Uncertain significance (1 of 4 stars; one submission).

Allele frequency attached by ClinVar (database versions not stated): ExAC 0.00002.
gnomAD v4.1: 6 of 1,613,996 alleles (0.00037%); highest among the groups gnomAD compares: South Asian, 0.0055%; no homozygotes.

Submission:

GeneDx
Classification: Uncertain significance. Last evaluated: 2022-08-19. Review status: criteria provided, single submitter. Criteria: GeneDx Variant Classification Process June 2021. Collection method: clinical testing. Allele origin: germline. Affected: yes.
Comment: In silico analysis supports that this missense variant does not alter protein structure/function; Has not been previously published as pathogenic or benign to our knowledge

NM_144991.3(TSPEAR):c.1805T>C (p.Val602Ala)

Gene: TSPEAR (thrombospondin type laminin G domain and EAR repeats; minus strand). Cytogenetic location: 21q22.3.
Variant type: single nucleotide variant.
Coding change: c.1805T>C on transcript NM_144991.3 (MANE Select); coding-DNA position 1805, T replaced by C.
Protein change: p.Val602Ala; replaces valine 602 with alanine.
Molecular consequence: missense variant.
Genome position (GRCh38, 1-based): chr21:44,504,831, A>G on the plus strand (T>C on the coding strand, the complement: TSPEAR is on the minus strand). VCF-style: chr21-44504831-A-G. GRCh37 (hg19) VCF-style: chr21-45924714-A-G.
Other names: c.1601T>C, p.Val534Ala (NM_001272037.2); short protein forms V534A, V602A.
Identifiers: ClinVar variation 2430520 (VCV002430520.1), dbSNP rs782133262, ClinGen allele CA10056322.